The following is an entry in ClinVar:

NM_170682.4(P2RX2):c.1001G>A (p.Gly334Glu)

Gene: P2RX2 (purinergic receptor P2X 2; plus strand). Cytogenetic location: 12q24.33.
Variant type: single nucleotide variant.
Coding change: c.1001G>A on transcript NM_170682.4 (MANE Select); coding-DNA position 1001, G replaced by A.
Protein change: p.Gly334Glu; replaces glycine 334 with glutamic acid.
Molecular consequence: missense variant. On other transcripts: synonymous variant (1).
Genome position (GRCh38, 1-based): chr12:132,621,479, G>A. VCF-style: chr12-132621479-G-A. GRCh37 (hg19) VCF-style: chr12-133198065-G-A.
Other names: c.899G>A, p.Gly300Glu (NM_001282164.2); c.1020G>A, p.Arg340= (NM_001282165.2); c.785G>A, p.Gly262Glu (NM_012226.5); c.929G>A, p.Gly310Glu (NM_016318.4); c.1001G>A, p.Gly334Glu (NM_170683.4, NM_174873.3); c.725G>A, p.Gly242Glu (NM_174872.3); c.1001G>A (NM_170683.2); short protein forms G242E, G262E, G300E, G310E, G334E.
Identifiers: ClinVar variation 1333075 (VCV001333075.7), dbSNP rs771356090, ClinGen allele CA6891787.
Genomic context (GRCh38, chr12:132,621,479, plus strand): 5'-CTTAAGCCCCATCAGACGCCGTCAGACATTCTGACCACGACCCCCATTCTCCCCAGGCCG[G>A]GAAGTTCAGCCTGATTCCCACCATTATTAATCTGGCCACAGCTCTGACTTCCGTCGGGGT-3'
Protein context (NP_733782.1, residues 324-344): RIDVIVHGQA[Gly334Glu]KFSLIPTIIN

ClinVar aggregate classification (germline): Uncertain significance. Review status: criteria provided, multiple submitters, no conflicts (2 of 4 stars). 3 submissions from 3 submitters: Uncertain significance (3). Last evaluated 2023-11-08.

Allele frequency attached by ClinVar (database versions not stated): ExAC 0.00004.
gnomAD v4.1: 43 of 1,565,112 alleles (0.0027%); highest among the groups gnomAD compares: East Asian, 0.056%; 1 homozygote.

Submissions (3):

Labcorp Genetics (formerly Invitae), Labcorp
Classification: Uncertain significance. Last evaluated: 2023-11-08. Review status: criteria provided, single submitter. Criteria: Invitae Variant Classification Sherloc (09022015). Collection method: clinical testing. Allele origin: germline.
Comment: This sequence change replaces glycine, which is neutral and non-polar, with glutamic acid, which is acidic and polar, at codon 334 of the P2RX2 protein (p.Gly334Glu). This variant is present in population databases (rs771356090, gnomAD 0.05%), and has an allele count higher than expected for a pathogenic variant. This variant has not been reported in the literature in individuals affected with P2RX2-related conditions. ClinVar contains an entry for this variant (Variation ID: 1333075). Advanced modeling of protein sequence and biophysical properties (such as structural, functional, and spatial information, amino acid conservation, physicochemical variation, residue mobility, and thermodynamic stability) performed at Invitae indicates that this missense variant is expected to disrupt P2RX2 protein function with a positive predictive value of 80%. In summary, the available evidence is currently insufficient to determine the role of this variant in disease. Therefore, it has been classified as a Variant of Uncertain Significance.

Ambry Genetics
Classification: Uncertain significance. Last evaluated: 2023-05-31. Review status: criteria provided, single submitter. Criteria: Ambry Variant Classification Scheme 2023. Collection method: clinical testing. Allele origin: germline.

GeneDx
Classification: Uncertain significance. Last evaluated: 2021-12-23. Review status: criteria provided, single submitter. Criteria: GeneDx Variant Classification Process June 2021. Collection method: clinical testing. Allele origin: germline. Affected: yes.
Comment: In silico analysis supports that this missense variant has a deleterious effect on protein structure/function; Has not been previously published as pathogenic or benign to our knowledge